The following is an entry in ClinVar:

ClinVar aggregate classification (germline): Conflicting classifications of pathogenicity. Review status: criteria provided, conflicting classifications (1 of 4 stars). 3 submissions from 3 submitters: Uncertain significance (2); Likely benign (1). Last evaluated 2025-10-23.

Conditions:
Dyskeratosis congenita. Identifiers: Orphanet 1775, MedGen C0265965, MONDO:0015780.

Allele frequency attached by ClinVar (database versions not stated): gnomAD 0.00001; gnomAD exomes 0.00001; ExAC 0.00003; ESP Exome Variant Server 0.00008.
gnomAD v4.1: 11 of 1,613,662 alleles (0.00068%); highest among the groups gnomAD compares: Non-Finnish European, 0.00093%; no homozygotes.

Submissions (3):

Labcorp Genetics (formerly Invitae), Labcorp
Classification: Uncertain significance for Dyskeratosis congenita. Last evaluated: 2025-10-23. Review status: criteria provided, single submitter. Criteria: Invitae Variant Classification Sherloc (09022015). Collection method: clinical testing. Allele origin: germline.
Comment: This sequence change replaces proline, which is neutral and non-polar, with serine, which is neutral and polar, at codon 34 of the CTC1 protein (p.Pro34Ser). This variant is present in population databases (rs374857685, gnomAD 0.003%). This variant has not been reported in the literature in individuals affected with CTC1-related conditions. ClinVar contains an entry for this variant (Variation ID: 1313327). An algorithm developed to predict the effect of missense changes on protein structure and function outputs the following: PolyPhen-2: "Benign". The serine amino acid residue is found in multiple mammalian species, which suggests that this missense change does not adversely affect protein function. In summary, the available evidence is currently insufficient to determine the role of this variant in disease. Therefore, it has been classified as a Variant of Uncertain Significance.

Blueprint Genetics
Classification: Likely benign. Last evaluated: 2024-06-13. Review status: criteria provided, single submitter. Criteria: ACMG Guidelines, 2015. Collection method: clinical testing. Allele origin: germline.

GeneDx
Classification: Uncertain significance. Last evaluated: 2023-05-02. Review status: criteria provided, single submitter. Criteria: GeneDx Variant Classification Process June 2021. Collection method: clinical testing. Allele origin: germline. Affected: yes.
Comment: Not observed at a significant frequency in large population cohorts (gnomAD); In silico analysis supports that this missense variant does not alter protein structure/function; Has not been previously published as pathogenic or benign to our knowledge

NM_025099.6(CTC1):c.100C>T (p.Pro34Ser)

Gene: CTC1 (CST telomere replication complex component 1; minus strand). Cytogenetic location: 17p13.1.
Variant type: single nucleotide variant.
Coding change: c.100C>T on transcript NM_025099.6 (MANE Select); coding-DNA position 100, C replaced by T.
Protein change: p.Pro34Ser; replaces proline 34 with serine.
Molecular consequence: missense variant. On other transcripts: non-coding transcript variant (1).
Genome position (GRCh38, 1-based): chr17:8,243,082, G>A on the plus strand (C>T on the coding strand, the complement: CTC1 is on the minus strand). VCF-style: chr17-8243082-G-A. GRCh37 (hg19) VCF-style: chr17-8146400-G-A.
Other names: short protein forms P34S.
Identifiers: ClinVar variation 1313327 (VCV001313327.8), dbSNP rs374857685, ClinGen allele CA8372713.
Genomic context (GRCh38, chr17:8,243,082, plus strand): 5'-CCTGGGACAACCAGACAGTCTTCACACAATCAATTACCAATGGAGTCAACTGGACATTAG[G>A]CTCCTTGACAGCTGGACACAGGGTCTTTTGGATGAAGACCTGAGCATCCTCAAGCCAGGC-3'
Protein context (NP_079375.3, residues 24-44): QKTLCPAVKE[Pro34Ser]NVQLTPLVID